The following is an entry in ClinVar:

ClinVar aggregate classification (germline): Likely pathogenic (1 of 4 stars; one submission).

Conditions:
Wilson disease (WND). Also called: Wilson's disease. Identifiers: Orphanet 905, MedGen C0019202, MONDO:0010200, OMIM 277900. Disease mechanism: loss of function.

Submission:

Juno Genomics, Hangzhou Juno Genomics, Inc
Classification: Likely pathogenic for Wilson disease. Review status: criteria provided, single submitter. Criteria: ACMG Guidelines, 2015. Collection method: clinical testing. Allele origin: germline.
Comment: Null variant in a gene where loss of function (LOF) is a known mechanism of disease.;Absent from controls (or at extremely low frequency if recessive) in Genome Aggregation Database.

NM_000053.4(ATP7B):c.972dup (p.Val325fs)

Gene: ATP7B (ATPase copper transporting beta; minus strand). Cytogenetic location: 13q14.3.
Variant type: Duplication.
Coding change: c.972dup on transcript NM_000053.4 (MANE Select); coding-DNA position 972, one base duplicated (A; older notation c.972dupA).
Protein change: p.Val325fs; shifts the reading frame from valine 325.
Molecular consequence: frameshift variant. On other transcripts: intron variant (2).
Genome position (GRCh38, 1-based): chr13:51,974,248, T duplicated on the plus strand (A on the coding strand, the reverse complement: ATP7B is on the minus strand); the first of 3 consecutive T bases (chr13:51,974,248-51,974,250); duplicating any one gives the same sequence. VCF-style (leftmost placement, unchanged base first): chr13-51974247-C-CT. GRCh37 (hg19) VCF-style: chr13-52548383-C-CT.
Other names: c.972dup, p.Val325fs (NM_001406531.1, NM_001406532.1, NM_001406534.1 and 29 more transcripts); c.876dup, p.Val293fs (NM_001406536.1, NM_001406543.1, NM_001406544.1 and 3 more transcripts); c.803-164dup (NM_001243182.2); c.707-164dup (NM_001406539.1); short protein forms V293fs, V325fs.
Identifiers: ClinVar variation 5005268 (VCV005005268.2).